The following is an entry in ClinVar:

NM_001127198.5(TMC6):c.1442T>C (p.Leu481Pro)

Gene: TMC6 (transmembrane channel like 6; minus strand). Cytogenetic location: 17q25.3.
Variant type: single nucleotide variant.
Coding change: c.1442T>C on transcript NM_001127198.5 (MANE Select); coding-DNA position 1442, T replaced by C.
Protein change: p.Leu481Pro; replaces leucine 481 with proline.
Molecular consequence: missense variant.
Genome position (GRCh38, 1-based): chr17:78,121,106, A>G on the plus strand (T>C on the coding strand, the complement: TMC6 is on the minus strand). VCF-style: chr17-78121106-A-G. GRCh37 (hg19) VCF-style: chr17-76117187-A-G.
Other names: c.1442T>C, p.Leu481Pro (NM_001321185.1, NM_001374593.1, NM_001374594.1 and 4 more transcripts); short protein forms L481P.
Identifiers: ClinVar variation 1046868 (VCV001046868.7), dbSNP rs2074393045, ClinGen allele CA401228466.

ClinVar aggregate classification (germline): Uncertain significance (1 of 4 stars; one submission).

Conditions:
Epidermodysplasia verruciformis. Identifiers: Orphanet 302, MedGen C0014522, MONDO:0009176.

Submission:

Labcorp Genetics (formerly Invitae), Labcorp
Classification: Uncertain significance for Epidermodysplasia verruciformis. Last evaluated: 2020-02-23. Review status: criteria provided, single submitter. Criteria: Invitae Variant Classification Sherloc (09022015). Collection method: clinical testing. Allele origin: germline.
Comment: In summary, the available evidence is currently insufficient to determine the role of this variant in disease. Therefore, it has been classified as a Variant of Uncertain Significance. Algorithms developed to predict the effect of missense changes on protein structure and function are either unavailable or do not agree on the potential impact of this missense change (SIFT: "Not Available"; PolyPhen-2: "Possibly Damaging"; Align-GVGD: "Not Available"). This variant has not been reported in the literature in individuals with TMC6-related conditions. This variant is not present in population databases (ExAC no frequency). This sequence change replaces leucine with proline at codon 481 of the TMC6 protein (p.Leu481Pro). The leucine residue is weakly conserved and there is a moderate physicochemical difference between leucine and proline.